The following is an entry in ClinVar:

ClinVar aggregate classification (germline): Likely benign (0 of 4 stars; one submission).

Conditions:
NRP2-related disorder. Also called: NRP2-related condition.

Allele frequency attached by ClinVar (database versions not stated): gnomAD exomes 0.00002; gnomAD 0.00003; TOPMed 0.00008; ExAC 0.00014; 1000 Genomes Project 0.00040; 1000 Genomes Project 30x 0.00047.
gnomAD v4.1: 33 of 1,614,160 alleles (0.002%); highest among the groups gnomAD compares: East Asian, 0.071%; no homozygotes.

Submission:

PreventionGenetics, part of Exact Sciences
Classification: Likely benign for NRP2-related condition. Last evaluated: 2023-10-03. Review status: no assertion criteria provided. Collection method: clinical testing. Allele origin: germline.
Comment: This variant is classified as likely benign based on ACMG/AMP sequence variant interpretation guidelines (Richards et al. 2015 PMID: 25741868, with internal and published modifications).

NM_003872.3(NRP2):c.2512G>C (p.Ala838Pro)

Gene: NRP2 (neuropilin 2; plus strand). Cytogenetic location: 2q33.3.
Variant type: single nucleotide variant.
Coding change: c.2512G>C on transcript NM_003872.3 (MANE Select); coding-DNA position 2512, G replaced by C.
Protein change: p.Ala838Pro; replaces alanine 838 with proline.
Molecular consequence: missense variant.
Genome position (GRCh38, 1-based): chr2:205,794,789, G>C. VCF-style: chr2-205794789-G-C. GRCh37 (hg19) VCF-style: chr2-206659513-G-C.
Other names: c.2527G>C, p.Ala843Pro (NM_201266.2); c.2461G>C, p.Ala821Pro (NM_201279.2); short protein forms A821P, A838P, A843P.
Identifiers: ClinVar variation 3047383 (VCV003047383.2), dbSNP rs191943915, ClinGen allele CA2069601.